The following is an entry in ClinVar:

ClinVar aggregate classification (germline): Benign/Likely benign. Review status: criteria provided, multiple submitters, no conflicts (2 of 4 stars). 4 submissions from 4 submitters: Benign (2); Likely benign (2). Last evaluated 2026-02-03.

Conditions:
Dihydropteridine reductase deficiency (HPABH4C). Also called: BH4-Deficient Hyperphenylalaninemia C; HYPERPHENYLALANINEMIA, TETRAHYDROBIOPTERIN-DEFICIENT, DUE TO DHPR DEFICIENCY; QDPR DEFICIENCY; QUINOID DIHYDROPTERIDINE REDUCTASE DEFICIENCY; Phenylketonuria II; Hyperphenylalaninemia due to dihydropteridine reductase deficiency. Identifiers: Orphanet 226, Orphanet 238583, MedGen C0268465, MONDO:0009862, OMIM 261630.

Allele frequency attached by ClinVar (database versions not stated): gnomAD exomes 0.00219; ExAC 0.00259; 1000 Genomes Project 0.00579; 1000 Genomes Project 30x 0.00640; gnomAD 0.00776 and 0.00851; ESP Exome Variant Server 0.00923.
gnomAD v4.1: 2,428 of 1,613,098 alleles (0.15%); highest among the groups gnomAD compares: African/African-American, 2.7%; 23 homozygotes.

Submissions (4):

Labcorp Genetics (formerly Invitae), Labcorp
Classification: Benign for Dihydropteridine reductase deficiency. Last evaluated: 2026-02-03. Review status: criteria provided, single submitter. Criteria: Invitae Variant Classification Sherloc (09022015). Collection method: clinical testing. Allele origin: germline.

GeneDx
Classification: Likely benign. Last evaluated: 2022-02-06. Review status: criteria provided, single submitter. Criteria: GeneDx Variant Classification Process June 2021. Collection method: clinical testing. Allele origin: germline. Affected: yes.
Comment: See Variant Classification Assertion Criteria.

Fulgent Genetics
Classification: Likely benign for Dihydropteridine reductase deficiency. Last evaluated: 2021-11-23. Review status: criteria provided, single submitter. Criteria: ACMG Guidelines, 2015. Collection method: clinical testing. Allele origin: unknown.

Breakthrough Genomics
Classification: Benign. Review status: criteria provided, single submitter. Criteria: ACMG Guidelines, 2015. Collection method: not provided. Allele origin: germline. Inheritance: Autosomal recessive inheritance. Affected: yes.

NM_000320.3(QDPR):c.436+19A>G

Gene: QDPR (quinoid dihydropteridine reductase; minus strand). Cytogenetic location: 4p15.32.
Variant type: single nucleotide variant.
Coding change: c.436+19A>G on transcript NM_000320.3 (MANE Select); 19 bases into the intron after coding-DNA position 436, A replaced by G.
Molecular consequence: intron variant.
Genome position (GRCh38, 1-based): chr4:17,501,700, T>C on the plus strand (A>G on the coding strand, the complement: QDPR is on the minus strand). VCF-style: chr4-17501700-T-C. GRCh37 (hg19) VCF-style: chr4-17503323-T-C.
Other names: c.343+19A>G (NM_001306140.2).
Identifiers: ClinVar variation 1599039 (VCV001599039.12), dbSNP rs112111831, ClinGen allele CA2868116.